The following is an entry in ClinVar:

ClinVar aggregate classification (germline): Likely benign (1 of 4 stars; one submission).

Allele frequency attached by ClinVar (database versions not stated): gnomAD exomes below 0.00001; ExAC 0.00001; gnomAD 0.00001; TOPMed 0.00001.
gnomAD v4.1: 10 of 1,611,288 alleles (0.00062%); highest among the groups gnomAD compares: Middle Eastern, 0.016%; no homozygotes.

Submission:

CeGaT Center for Human Genetics Tuebingen
Classification: Likely benign. Last evaluated: 2022-06-01. Review status: criteria provided, single submitter. Criteria: CeGaT Center For Human Genetics Tuebingen Variant Classification Criteria Version 2. Collection method: clinical testing. Allele origin: germline. Affected: yes. Observed: 2 variant alleles.
Comment: HIP1: BP4, BP7

NM_005338.7(HIP1):c.1026A>G (p.Leu342=)

Gene: HIP1 (huntingtin interacting protein 1; minus strand). Cytogenetic location: 7q11.23.
Variant type: single nucleotide variant.
Coding change: c.1026A>G on transcript NM_005338.7 (MANE Select); coding-DNA position 1026, A replaced by G.
Protein change: p.Leu342=; no amino-acid change (leucine 342 retained).
Molecular consequence: synonymous variant.
Genome position (GRCh38, 1-based): chr7:75,562,165, T>C on the plus strand (A>G on the coding strand, the complement: HIP1 is on the minus strand). VCF-style: chr7-75562165-T-C. GRCh37 (hg19) VCF-style: chr7-75191469-T-C.
Other names: c.1026A>G, p.Leu342= (NM_001243198.3); c.924A>G, p.Leu308= (NM_001382444.1); c.939A>G, p.Leu313= (NM_001382445.1).
Identifiers: ClinVar variation 2657615 (VCV002657615.24), dbSNP rs781985767, ClinGen allele CA4302446.